The following is an entry in ClinVar:

NM_003906.5(MCM3AP):c.2306C>T (p.Ser769Phe)

Gene: MCM3AP (minichromosome maintenance complex component 3 associated protein; minus strand). Cytogenetic location: 21q22.3.
Variant type: single nucleotide variant.
Coding change: c.2306C>T on transcript NM_003906.5 (MANE Select); coding-DNA position 2306, C replaced by T.
Protein change: p.Ser769Phe; replaces serine 769 with phenylalanine.
Molecular consequence: missense variant.
Genome position (GRCh38, 1-based): chr21:46,272,720, G>A on the plus strand (C>T on the coding strand, the complement: MCM3AP is on the minus strand). VCF-style: chr21-46272720-G-A. GRCh37 (hg19) VCF-style: chr21-47692634-G-A.
Other names: short protein forms S769F.
Identifiers: ClinVar variation 4777009 (VCV004777009.1).

ClinVar aggregate classification (germline): Uncertain significance (1 of 4 stars; one submission).

gnomAD v4.1: 23 of 1,614,182 alleles (0.0014%); highest among the groups gnomAD compares: Non-Finnish European, 0.0019%; no homozygotes.

Submission:

Labcorp Genetics (formerly Invitae), Labcorp
Classification: Uncertain significance. Last evaluated: 2025-10-08. Review status: criteria provided, single submitter. Criteria: Invitae Variant Classification Sherloc (09022015). Collection method: clinical testing. Allele origin: germline.
Comment: This sequence change replaces serine, which is neutral and polar, with phenylalanine, which is neutral and non-polar, at codon 769 of the MCM3AP protein (p.Ser769Phe). This variant is not present in population databases (gnomAD no frequency). This variant has not been reported in the literature in individuals affected with MCM3AP-related conditions. An algorithm developed to predict the effect of missense changes on protein structure and function (PolyPhen-2) suggests that this variant is likely to be disruptive. In summary, the available evidence is currently insufficient to determine the role of this variant in disease. Therefore, it has been classified as a Variant of Uncertain Significance.